The following is an entry in ClinVar:

ClinVar aggregate classification (germline): Pathogenic (1 of 4 stars; one submission).

Submission:

Labcorp Genetics (formerly Invitae), Labcorp
Classification: Pathogenic. Last evaluated: 2023-12-31. Review status: criteria provided, single submitter. Criteria: Invitae Variant Classification Sherloc (09022015). Collection method: clinical testing. Allele origin: germline.
Comment: This sequence change creates a premature translational stop signal (p.Trp175Glyfs*6) in the GLE1 gene. It is expected to result in an absent or disrupted protein product. Loss-of-function variants in GLE1 are known to be pathogenic (PMID: 18204449, 24243016, 27684565). This variant is not present in population databases (gnomAD no frequency). This variant has not been reported in the literature in individuals affected with GLE1-related conditions. ClinVar contains an entry for this variant (Variation ID: 2002983). For these reasons, this variant has been classified as Pathogenic.

Literature cited by the submitters: PubMed 18204449; PubMed 24243016; PubMed 27684565.

NM_001003722.2(GLE1):c.523_527del (p.Trp175fs)

Gene: GLE1 (GLE1 RNA export mediator; plus strand). Cytogenetic location: 9q34.11.
Variant type: Deletion.
Coding change: c.523_527del on transcript NM_001003722.2 (MANE Select); coding-DNA positions 523 to 527, 5 bases deleted (TGGAA; older notation c.523_527delTGGAA).
Protein change: p.Trp175fs; shifts the reading frame from tryptophan 175.
Molecular consequence: frameshift variant.
Genome position (GRCh38, 1-based): chr9:128,522,758-128,522,762, TGGAA deleted; deleting any 5 consecutive bases within chr9:128,522,755-128,522,762 gives the same sequence; the c. name uses the placement nearest the transcript's 3' end. VCF-style (leftmost placement, unchanged base first): chr9-128522754-TGAATG-T. GRCh37 (hg19) VCF-style: chr9-131285033-TGAATG-T.
Other names: c.523_527delTGGAA, p.Trp175Glyfs (NM_001411013.1); c.523_527del, p.Trp175fs (NM_001499.2); short protein forms W175fs.
Identifiers: ClinVar variation 2002983 (VCV002002983.4), dbSNP rs2540593392, ClinGen allele CA2580079707.